The following is an entry in ClinVar:

NM_173728.4(ARHGEF15):c.2122C>T (p.Arg708Cys)

Gene: ARHGEF15 (Rho guanine nucleotide exchange factor 15; plus strand). Cytogenetic location: 17p13.1.
Variant type: single nucleotide variant.
Coding change: c.2122C>T on transcript NM_173728.4 (MANE Select); coding-DNA position 2122, C replaced by T.
Protein change: p.Arg708Cys; replaces arginine 708 with cysteine.
Molecular consequence: missense variant.
Genome position (GRCh38, 1-based): chr17:8,319,095, C>T. VCF-style: chr17-8319095-C-T. GRCh37 (hg19) VCF-style: chr17-8222413-C-T.
Other names: c.2122C>T, p.Arg708Cys (NM_025014.2); c.2122C>T (NM_173728.3); short protein forms R708C.
Identifiers: ClinVar variation 1053467 (VCV001053467.11), dbSNP rs774110070, ClinGen allele CA8375426.

ClinVar aggregate classification (germline): Uncertain significance. Review status: criteria provided, multiple submitters, no conflicts (2 of 4 stars). 2 submissions from 2 submitters: Uncertain significance (2). Last evaluated 2025-12-05.

Conditions:
Early-infantile DEE. Also called: Ohtahara syndrome; Early infantile epileptic encephalopathy with suppression bursts; Early infantile epileptic encephalopathy. Identifiers: Orphanet 1934, MedGen C0393706, MONDO:0800491.

Allele frequency attached by ClinVar (database versions not stated): ExAC 0.00001; gnomAD exomes 0.00002; gnomAD 0.00004; TOPMed 0.00004.

Submissions (2):

Labcorp Genetics (formerly Invitae), Labcorp
Classification: Uncertain significance for Early-infantile DEE. Last evaluated: 2025-12-05. Review status: criteria provided, single submitter. Criteria: Invitae Variant Classification Sherloc (09022015). Collection method: clinical testing. Allele origin: germline.
Comment: This sequence change replaces arginine, which is basic and polar, with cysteine, which is neutral and slightly polar, at codon 708 of the ARHGEF15 protein (p.Arg708Cys). This variant is present in population databases (rs774110070, gnomAD 0.005%). This variant has not been reported in the literature in individuals affected with ARHGEF15-related conditions. ClinVar contains an entry for this variant (Variation ID: 1053467). An algorithm developed to predict the effect of missense changes on protein structure and function (PolyPhen-2) suggests that this variant is likely to be tolerated. In summary, the available evidence is currently insufficient to determine the role of this variant in disease. Therefore, it has been classified as a Variant of Uncertain Significance.

Ambry Genetics
Classification: Uncertain significance. Last evaluated: 2024-09-08. Review status: criteria provided, single submitter. Criteria: Ambry Variant Classification Scheme 2023. Collection method: clinical testing. Allele origin: germline.